The following is an entry in ClinVar:

NM_001374828.1(ARID1B):c.6680del (p.Pro2227fs)

Gene: ARID1B (AT-rich interaction domain 1B; plus strand). Cytogenetic location: 6q25.3.
Variant type: Deletion.
Coding change: c.6680del on transcript NM_001374828.1 (MANE Select); coding-DNA position 6680, one base deleted (C; older notation c.6680delC).
Protein change: p.Pro2227fs; shifts the reading frame from proline 2227.
Molecular consequence: frameshift variant.
Genome position (GRCh38, 1-based): chr6:157,207,452, C deleted; the last of 2 consecutive C bases (chr6:157,207,451-157,207,452); deleting either gives the same sequence. VCF-style (leftmost placement, unchanged base first): chr6-157207450-TC-T. GRCh37 (hg19) VCF-style: chr6-157528584-TC-T.
Other names: c.6431delC, p.Pro2144Hisfs (NM_001346813.1); c.4181del, p.Pro1394fs (NM_001363725.2); c.6560del, p.Pro2187fs (NM_001371656.1, NM_001374820.1); c.6521del, p.Pro2174fs (NM_017519.3); c.6311delC, p.Pro2104Hisfs (NM_020732.3); c.6098delC, p.Pro2033Hisfs (NM_175863.2); short protein forms P1394fs, P2187fs, P2227fs, P2174fs.
Identifiers: ClinVar variation 2763958 (VCV002763958.3), dbSNP rs2538788082, ClinGen allele CA2697553795.

ClinVar aggregate classification (germline): Pathogenic (1 of 4 stars; one submission).

Submission:

Labcorp Genetics (formerly Invitae), Labcorp
Classification: Pathogenic. Last evaluated: 2025-03-17. Review status: criteria provided, single submitter. Criteria: Invitae Variant Classification Sherloc (09022015). Collection method: clinical testing. Allele origin: germline.
Comment: This sequence change creates a premature translational stop signal (p.Pro2104Hisfs*12) in the ARID1B gene. While this is not anticipated to result in nonsense mediated decay, it is expected to disrupt the last 146 amino acid(s) of the ARID1B protein. This variant is not present in population databases (gnomAD no frequency). This variant has not been reported in the literature in individuals affected with ARID1B-related conditions. ClinVar contains an entry for this variant (Variation ID: 2763958). This variant disrupts a region of the ARID1B protein in which other variant(s) (p.Ser2226Cysfs*12) have been determined to be pathogenic (internal data). This suggests that this is a clinically significant region of the protein, and that variants that disrupt it are likely to be disease-causing. For these reasons, this variant has been classified as Pathogenic.